The following is an entry in ClinVar:

NM_000548.5(TSC2):c.618C>T (p.Cys206=)

Gene: TSC2 (TSC complex subunit 2; plus strand). Cytogenetic location: 16p13.3.
Variant type: single nucleotide variant.
Coding change: c.618C>T on transcript NM_000548.5 (MANE Select); coding-DNA position 618, C replaced by T.
Protein change: p.Cys206=; no amino-acid change (cysteine 206 retained).
Molecular consequence: synonymous variant.
Genome position (GRCh38, 1-based): chr16:2,056,214, C>T. VCF-style: chr16-2056214-C-T. GRCh37 (hg19) VCF-style: chr16-2106215-C-T.
Other names: c.618C>T, p.Cys206= (NM_001077183.3, NM_001114382.3, NM_001363528.2 and 3 more transcripts); c.507C>T, p.Cys169= (NM_001318827.2); c.471C>T, p.Cys157= (NM_001318829.2); c.18C>T, p.Cys6= (NM_001318831.2); c.651C>T, p.Cys217= (NM_001318832.2); c.618C>T (NM_000548.4).
Identifiers: ClinVar variation 413697 (VCV000413697.43), dbSNP rs45498496, ClinGen allele CA055766.

ClinVar aggregate classification (germline): Benign/Likely benign. Review status: criteria provided, multiple submitters, no conflicts (2 of 4 stars). 11 submissions from 11 submitters: Benign (3); Likely benign (8). Last evaluated 2026-01-07.

Conditions:
Hereditary cancer-predisposing syndrome. Also called: Tumor predisposition; Hereditary neoplastic syndrome; Hereditary Cancer Syndrome; Neoplastic Syndromes, Hereditary. Identifiers: Orphanet 140162, MedGen C0027672, MeSH D009386, MONDO:0015356.
Tuberous sclerosis syndrome (TSC). Also called: Tuberous Sclerosis Complex; Tuberous sclerosis. Identifiers: Orphanet 805, MedGen C0041341, MONDO:0001734.
Tuberous sclerosis 2 (TSC2). Identifiers: Orphanet 805, MedGen C1860707, MONDO:0013199, OMIM 613254.

Allele frequency attached by ClinVar (database versions not stated): ExAC 0.00002; gnomAD exomes 0.00002; TOPMed 0.00003; gnomAD 0.00005 and 0.00006.
gnomAD v4.1: 32 of 1,613,898 alleles (0.002%); highest among the groups gnomAD compares: South Asian, 0.012%; no homozygotes.

Submissions (11):

Labcorp Genetics (formerly Invitae), Labcorp
Classification: Benign for Tuberous sclerosis 2. Last evaluated: 2026-01-07. Review status: criteria provided, single submitter. Criteria: Invitae Variant Classification Sherloc (09022015). Collection method: clinical testing. Allele origin: germline.

CeGaT Center for Human Genetics Tuebingen
Classification: Likely benign. Last evaluated: 2025-09-01. Review status: criteria provided, single submitter. Criteria: CeGaT Center For Human Genetics Tuebingen Variant Classification Criteria Version 2. Collection method: clinical testing. Allele origin: germline. Affected: yes. Observed: 1 variant allele.
Comment: TSC2: BP4, BP7

Myriad Genetics, Inc.
Classification: Benign for Tuberous sclerosis 2. Last evaluated: 2025-05-08. Review status: criteria provided, single submitter. Criteria: Myriad Autosomal Dominant, Autosomal Recessive and X-Linked Classification Criteria (2023). Collection method: clinical testing. Allele origin: unknown.
Comment: This variant is considered benign. This variant is a silent/synonymous amino acid change and it is not expected to impact splicing.

KCCC/NGS Laboratory, Kuwait Cancer Control Center
Classification: Benign for Tuberous sclerosis 2. Last evaluated: 2025-02-01. Review status: criteria provided, single submitter. Criteria: ACMG Guidelines, 2015. Collection method: clinical testing. Allele origin: germline. Affected: no.

All of Us Research Program, National Institutes of Health
Classification: Likely benign for Tuberous sclerosis syndrome. Last evaluated: 2023-12-18. Review status: criteria provided, single submitter. Criteria: ACMG Guidelines, 2015. Collection method: clinical testing. Allele origin: germline. Inheritance: Autosomal dominant inheritance. Observed: 5 variant alleles, 5 heterozygotes.
Comment: This study involves interpretation of variants in research participants for the purpose of population health screening. Participant phenotype was not available at the time of variant classification. Additional details can be found in publication PMID: 35346344, PMCID: PMC8962531

Color Diagnostics, LLC DBA Color Health
Classification: Likely benign for Tuberous sclerosis syndrome. Last evaluated: 2022-09-12. Review status: criteria provided, single submitter. Criteria: ACMG Guidelines, 2015. Collection method: clinical testing. Allele origin: germline.

Blueprint Genetics
Classification: Likely benign. Last evaluated: 2022-06-22. Review status: criteria provided, single submitter. Criteria: ACMG Guidelines, 2015. Collection method: clinical testing. Allele origin: germline.

Genome-Nilou Lab
Classification: Likely benign for Tuberous sclerosis 2. Last evaluated: 2021-11-07. Review status: criteria provided, single submitter. Criteria: ACMG Guidelines, 2015. Collection method: clinical testing. Allele origin: germline. Affected: no.

Sema4
Classification: Likely benign for Hereditary cancer-predisposing syndrome. Last evaluated: 2021-03-31. Review status: criteria provided, single submitter. Criteria: Sema4 Curation Guidelines. Collection method: curation. Allele origin: germline.

GeneDx
Classification: Likely benign. Last evaluated: 2021-02-15. Review status: criteria provided, single submitter. Criteria: GeneDx Variant Classification Process June 2021. Collection method: clinical testing. Allele origin: germline. Affected: yes.
Comment: This variant is associated with the following publications: (PMID: 26563443)

Ambry Genetics
Classification: Likely benign for Hereditary cancer-predisposing syndrome. Last evaluated: 2016-05-17. Review status: criteria provided, single submitter. Criteria: Ambry Variant Classification Scheme 2023. Collection method: clinical testing. Allele origin: germline.